The following is an entry in ClinVar:

ClinVar aggregate classification (germline): Conflicting classifications of pathogenicity. Review status: criteria provided, conflicting classifications (1 of 4 stars). 7 submissions from 7 submitters: Uncertain significance (1); Likely benign (5). 1 of the submissions does not count toward it. Last evaluated 2026-01-29.

Conditions:
Inborn genetic diseases. Identifiers: MedGen C0950123, MeSH D030342.
Intellectual developmental disorder, autosomal recessive 13. Also called: Intellectual disability, autosomal recessive 13. Identifiers: Orphanet 88616, MedGen C2750791, MONDO:0013173, OMIM 613192.
TRAPPC9-related disorder. Also called: TRAPPC9-related condition.

Allele frequency attached by ClinVar (database versions not stated): 1000 Genomes Project 0.00100; gnomAD 0.00144 and 0.00146; ExAC 0.00301; ESP Exome Variant Server 0.00131; gnomAD exomes 0.00172 and 0.00227; 1000 Genomes Project 30x 0.00109; TOPMed 0.00153.
gnomAD v4.1: 3,469 of 1,606,336 alleles (0.22%); highest among the groups gnomAD compares: East Asian, 0.29%; 2 homozygotes.

Submissions (7):

Labcorp Genetics (formerly Invitae), Labcorp
Classification: Likely benign. Last evaluated: 2026-01-29. Review status: criteria provided, single submitter. Criteria: Invitae Variant Classification Sherloc (09022015). Collection method: clinical testing. Allele origin: germline.

CeGaT Center for Human Genetics Tuebingen
Classification: Likely benign. Last evaluated: 2025-06-01. Review status: criteria provided, single submitter. Criteria: CeGaT Center For Human Genetics Tuebingen Variant Classification Criteria Version 2. Collection method: clinical testing. Allele origin: germline. Affected: yes. Observed: 5 variant alleles.
Comment: TRAPPC9: BP4

Blueprint Genetics
Classification: Likely benign. Last evaluated: 2024-11-27. Review status: criteria provided, single submitter. Criteria: ACMG Guidelines, 2015. Collection method: clinical testing. Allele origin: germline.

Ambry Genetics
Classification: Likely benign for Inborn genetic diseases. Last evaluated: 2023-09-29. Review status: criteria provided, single submitter. Criteria: Ambry Variant Classification Scheme 2023. Collection method: clinical testing. Allele origin: germline.

Genetic Services Laboratory, University of Chicago
Classification: Likely benign. Last evaluated: 2021-04-25. Review status: criteria provided, single submitter. Criteria: ACMG Guidelines, 2015. Collection method: clinical testing. Allele origin: germline. Affected: no.

HudsonAlpha Institute for Biotechnology
Classification: Uncertain significance for Intellectual developmental disorder, autosomal recessive 13. Last evaluated: 2018-07-03. Review status: criteria provided, single submitter. Criteria: ACMG Guidelines, 2015. Collection method: research. Allele origin: unknown. Affected: yes. Observed: 1 variant allele. Study: PGEN-HudsonAlpha.

PreventionGenetics, part of Exact Sciences
Classification: Likely benign for TRAPPC9-related condition. Last evaluated: 2022-04-25. Review status: no assertion criteria provided. Collection method: clinical testing. Allele origin: germline. Not counted in ClinVar's aggregate classification.
Comment: This variant is classified as likely benign based on ACMG/AMP sequence variant interpretation guidelines (Richards et al. 2015 PMID: 25741868, with internal and published modifications).

NM_001160372.4(TRAPPC9):c.3157C>T (p.Arg1053Cys)

Gene: TRAPPC9 (trafficking protein particle complex subunit 9; minus strand). Cytogenetic location: 8q24.3.
Variant type: single nucleotide variant.
Coding change: c.3157C>T on transcript NM_001160372.4 (MANE Select); coding-DNA position 3157, C replaced by T.
Protein change: p.Arg1053Cys; replaces arginine 1053 with cysteine.
Molecular consequence: missense variant. On other transcripts: non-coding transcript variant (1).
Genome position (GRCh38, 1-based): chr8:139,732,101, G>A on the plus strand (C>T on the coding strand, the complement: TRAPPC9 is on the minus strand). VCF-style: chr8-139732101-G-A. GRCh37 (hg19) VCF-style: chr8-140744344-G-A.
Other names: c.3130C>T, p.Arg1044Cys (NM_001321646.2); c.3178C>T, p.Arg1060Cys (NM_001374682.1); c.3046C>T, p.Arg1016Cys (NM_001374683.1); c.3013C>T, p.Arg1005Cys (NM_001374684.1); c.3157C>T, p.Arg1053Cys (NM_031466.8); short protein forms R1053C, R1151C, R1044C, R1005C, R1016C, R1060C.
Identifiers: ClinVar variation 437049 (VCV000437049.46), dbSNP rs147499593, ClinGen allele CA4892791.
Genomic context (GRCh38, chr8:139,732,101, plus strand): 5'-GCACGCCGTTCTGGTGGTCCTGGAAGGGGACCACAGTGAGGGCGAAGGGCCCTACGCTGC[G>A]CGGGCTCCGGTTGGTCAGCCGCACCTCCAGGCGCACGGGGTCGCCCACCTGGCAGGCCGC-3'
Protein context (NP_001153844.1, residues 1043-1063): LEVRLTNRSP[Arg1053Cys]SVGPFALTVV